The following is an entry in ClinVar:

NM_002076.4(GNS):c.841_842insTTTTTTTTTTTTTTTTTTTTNNNNNNNNNNGACCTCGTGATCCGCCCGCCTCGGCCTCCCAAAGTGCTGGGATTACAGGCGTGAGCCACCGCGCCCGGCCGACTAATTCTT (p.Ser280_Ser281insPhePhePhePhePhePhePheXaaXaaXaaXaaProArgAspProProAlaSerAlaSerGlnSerAlaGlyIleThrGlyValSerHisArgAlaArgProThrAsnSer)

Gene: GNS (glucosamine (N-acetyl)-6-sulfatase; minus strand). Cytogenetic location: 12q14.3.
Variant type: Insertion.
Coding change: c.841_842insTTTTTTTTTTTTTTTTTTTTNNNNNNNNNNGACCTCGTGATCCGCCCGCCTCGGCCTCCCAAAGTGCTGGGATTACAGGCGTGAGCCACCGCGCCCGGCCGACTAATTCTT on transcript NM_002076.4 (MANE Select); coding-DNA positions 841 to 842, TTTTTTTTTTTTTTTTTTTTNNNNNNNNNNGACCTCGTGATCCGCCCGCCTCGGCCTCCCAAAGTGCTGGGATTACAGGCGTGAGCCACCGCGCCCGGCCGACTAATTCTT inserted.
Protein change: p.Ser280_Ser281insPhePhePhePhePhePhePheXaaXaaXaaXaaProArgAspProProAlaSerAlaSerGlnSerAlaGlyIleThrGlyValSerHisArgAlaArgProThrAsnSer.
Molecular consequence: inframe insertion.
Genome position: GRCh38: chr12:64,740,650-64,740,651. GRCh37 (hg19): chr12:65,134,430-65,134,431.
Identifiers: ClinVar variation 1418992 (VCV001418992.6), dbSNP rs2136246147.

ClinVar aggregate classification (germline): Pathogenic (1 of 4 stars; one submission).

Conditions:
Mucopolysaccharidosis, MPS-III-D (MPS3D). Also called: N-ACETYLGLUCOSAMINE-6-SULFATASE DEFICIENCY; SANFILIPPO SYNDROME D; MPS III D; Mucopoly-saccharidosis type 3D; N-acetylglucosamine-6-sulfate sulfatase deficiency; MPS 3D. Identifiers: Orphanet 581, Orphanet 79272, MedGen C0086650, MONDO:0009658, OMIM 252940.

Submission:

Labcorp Genetics (formerly Invitae), Labcorp
Classification: Pathogenic for Mucopolysaccharidosis, MPS-III-D. Last evaluated: 2025-11-06. Review status: criteria provided, single submitter. Criteria: Invitae Variant Classification Sherloc (09022015). Collection method: clinical testing. Allele origin: germline.
Comment: This sequence change inserts a large fragment of DNA, likely a transposable element, in exon 7 of the GNS gene (c.841_842ins?), causing a frameshift at codon 280 (p.Ser280fs). The exact size and sequence of the insertion cannot be determined by the current assay. However, the insertion is expected to result in an absent or disrupted protein product. This variant is not present in population databases (gnomAD no frequency). This variant has not been reported in the literature in individuals affected with GNS-related conditions. ClinVar contains an entry for this variant (Variation ID: 1418992). Retrotransposon insertions including LINE1 (L1), Alu, and SVA (SINE-VNTR-Alu) have been reported to be disease-causing through disruption of either a coding region or splice site (PMID: 19763152, 20307669, 22406018) and loss-of-function variants in GNS are known to be pathogenic (PMID: 20232353). For these reasons, this variant has been classified as Pathogenic.

Literature cited by the submitters: PubMed 19763152; PubMed 20307669; PubMed 22406018; PubMed 20232353.